The following is an entry in ClinVar:

ClinVar aggregate classification (germline): Uncertain significance (1 of 4 stars; one submission).

gnomAD v4.1: 3 of 1,562,614 alleles (0.00019%); highest among the groups gnomAD compares: Non-Finnish European, 0.00026%; no homozygotes.

Submission:

Women's Health and Genetics/Laboratory Corporation of America, LabCorp
Classification: Uncertain significance. Last evaluated: 2024-08-13. Review status: criteria provided, single submitter. Criteria: LabCorp Variant Classification Summary - May 2015. Collection method: clinical testing. Allele origin: germline.
Comment: Variant summary: CHD3 c.*125C>A is located in the untranslated mRNA region downstream of the termination codon. The frequency data for this variant in gnomAD is considered unreliable, as metrics indicate poor data quality at this position. To our knowledge, no occurrence of c.*125C>A in individuals affected with Snijders Blok-Campeau Syndrome and no experimental evidence demonstrating its impact on protein function have been reported. No submitters have cited clinical-significance assessments for this variant to ClinVar. Based on the evidence outlined above, the variant was classified as uncertain significance.

NM_001005273.3(CHD3):c.*125C>A

Gene: CHD3 (chromodomain helicase DNA binding protein 3; plus strand). Cytogenetic location: 17p13.1.
Variant type: single nucleotide variant.
Coding change: c.*125C>A on transcript NM_001005273.3 (MANE Select); 125 bases downstream of the stop codon, C replaced by A.
Molecular consequence: 3 prime UTR variant.
Genome position (GRCh38, 1-based): chr17:7,911,710, C>A. VCF-style: chr17-7911710-C-A. GRCh37 (hg19) VCF-style: chr17-7815028-C-A.
Other names: c.*125C>A (NM_001005271.3, NM_005852.4).
Identifiers: ClinVar variation 3366836 (VCV003366836.1).